The following is an entry in ClinVar:

ClinVar aggregate classification (germline): Uncertain significance (1 of 4 stars; one submission).

Conditions:
MEGF10-related myopathy (CMYO10A). Also called: Congenital myopathy 10A, severe variant. Identifiers: Orphanet 439212, MedGen C3280679, MONDO:0013731, OMIM 614399.

Submission:

Labcorp Genetics (formerly Invitae), Labcorp
Classification: Uncertain significance for MEGF10-related myopathy. Last evaluated: 2022-06-20. Review status: criteria provided, single submitter. Criteria: Invitae Variant Classification Sherloc (09022015). Collection method: clinical testing. Allele origin: germline.
Comment: In summary, the available evidence is currently insufficient to determine the role of this variant in disease. Therefore, it has been classified as a Variant of Uncertain Significance. Algorithms developed to predict the effect of missense changes on protein structure and function (SIFT, PolyPhen-2, Align-GVGD) all suggest that this variant is likely to be disruptive. ClinVar contains an entry for this variant (Variation ID: 1010690). This variant has not been reported in the literature in individuals affected with MEGF10-related conditions. This variant is not present in population databases (gnomAD no frequency). This sequence change replaces cysteine, which is neutral and slightly polar, with tyrosine, which is neutral and polar, at codon 191 of the MEGF10 protein (p.Cys191Tyr).

NM_001256545.2(MEGF10):c.572G>A (p.Cys191Tyr)

Gene: MEGF10 (multiple EGF like domains 10; plus strand). Cytogenetic location: 5q23.2.
Variant type: single nucleotide variant.
Coding change: c.572G>A on transcript NM_001256545.2 (MANE Select); coding-DNA position 572, G replaced by A.
Protein change: p.Cys191Tyr; replaces cysteine 191 with tyrosine.
Molecular consequence: missense variant.
Genome position (GRCh38, 1-based): chr5:127,396,691, G>A. VCF-style: chr5-127396691-G-A. GRCh37 (hg19) VCF-style: chr5-126732383-G-A.
Other names: c.572G>A, p.Cys191Tyr (NM_001308119.2, NM_001308121.2, NM_032446.3); short protein forms C191Y.
Identifiers: ClinVar variation 1010690 (VCV001010690.9), dbSNP rs1012722382, ClinGen allele CA126930161.